The following is an entry in ClinVar:

ClinVar aggregate classification (germline): Likely benign. Review status: criteria provided, multiple submitters, no conflicts (2 of 4 stars). 2 submissions from 2 submitters: Likely benign (2). Last evaluated 2022-05-01.

gnomAD v4.1: 1 of 1,465,578 alleles (0.000068%); no homozygotes.

Submissions (2):

CeGaT Center for Human Genetics Tuebingen
Classification: Likely benign. Last evaluated: 2022-05-01. Review status: criteria provided, single submitter. Criteria: CeGaT Center For Human Genetics Tuebingen Variant Classification Criteria Version 2. Collection method: clinical testing. Allele origin: germline. Affected: yes. Observed: 1 variant allele.
Comment: ABHD12: PM2:Supporting, BP4, BP7

Labcorp Genetics (formerly Invitae), Labcorp
Classification: Likely benign. Last evaluated: 2021-07-12. Review status: criteria provided, single submitter. Criteria: Invitae Variant Classification Sherloc (09022015). Collection method: clinical testing. Allele origin: germline.

NM_001042472.3(ABHD12):c.183G>T (p.Ala61=)

Gene: ABHD12 (abhydrolase domain containing 12, lysophospholipase; minus strand). Cytogenetic location: 20p11.21.
Variant type: single nucleotide variant.
Coding change: c.183G>T on transcript NM_001042472.3 (MANE Select); coding-DNA position 183, G replaced by T.
Protein change: p.Ala61=; no amino-acid change (alanine 61 retained).
Molecular consequence: synonymous variant.
Genome position (GRCh38, 1-based): chr20:25,390,521, C>A on the plus strand (G>T on the coding strand, the complement: ABHD12 is on the minus strand). VCF-style: chr20-25390521-C-A. GRCh37 (hg19) VCF-style: chr20-25371157-C-A.
Other names: c.183G>T, p.Ala61= (NM_015600.5).
Identifiers: ClinVar variation 1571321 (VCV001571321.31), dbSNP rs2146161198, ClinGen allele CA509882566.